The following is an entry in ClinVar:

ClinVar aggregate classification (germline): Uncertain significance. Review status: criteria provided, multiple submitters, no conflicts (2 of 4 stars). 2 submissions from 2 submitters: Uncertain significance (2). Last evaluated 2022-08-16.

Allele frequency attached by ClinVar (database versions not stated): TOPMed 0.00001; gnomAD 0.00002.

Submissions (2):

Labcorp Genetics (formerly Invitae), Labcorp
Classification: Uncertain significance. Last evaluated: 2022-08-16. Review status: criteria provided, single submitter. Criteria: Invitae Variant Classification Sherloc (09022015). Collection method: clinical testing. Allele origin: germline.
Comment: This sequence change replaces glutamic acid, which is acidic and polar, with lysine, which is basic and polar, at codon 392 of the COQ8A protein (p.Glu392Lys). This variant is present in population databases (rs760476900, gnomAD 0.0009%). This variant has not been reported in the literature in individuals affected with COQ8A-related conditions. ClinVar contains an entry for this variant (Variation ID: 804505). Algorithms developed to predict the effect of missense changes on protein structure and function are either unavailable or do not agree on the potential impact of this missense change (SIFT: "Deleterious"; PolyPhen-2: "Benign"; Align-GVGD: "Class C15"). In summary, the available evidence is currently insufficient to determine the role of this variant in disease. Therefore, it has been classified as a Variant of Uncertain Significance.

Athena Diagnostics
Classification: Uncertain significance. Last evaluated: 2019-06-05. Review status: criteria provided, single submitter. Criteria: Athena Diagnostics Criteria. Collection method: clinical testing. Allele origin: germline.

NM_020247.5(COQ8A):c.1174G>A (p.Glu392Lys)

Gene: COQ8A (coenzyme Q8A; plus strand). Cytogenetic location: 1q42.13.
Variant type: single nucleotide variant.
Coding change: c.1174G>A on transcript NM_020247.5 (MANE Select); coding-DNA position 1174, G replaced by A.
Protein change: p.Glu392Lys; replaces glutamic acid 392 with lysine.
Molecular consequence: missense variant.
Genome position (GRCh38, 1-based): chr1:226,983,772, G>A. VCF-style: chr1-226983772-G-A. GRCh37 (hg19) VCF-style: chr1-227171473-G-A.
Other names: short protein forms E392K.
Identifiers: ClinVar variation 804505 (VCV000804505.7), dbSNP rs760476900, ClinGen allele CA1425351.